The following is an entry in ClinVar:

NM_020778.5(ALPK3):c.641G>T (p.Arg214Leu)

Gene: ALPK3 (alpha kinase 3; plus strand). Cytogenetic location: 15q25.3.
Variant type: single nucleotide variant.
Coding change: c.641G>T on transcript NM_020778.5 (MANE Select); coding-DNA position 641, G replaced by T.
Protein change: p.Arg214Leu; replaces arginine 214 with leucine.
Molecular consequence: missense variant.
Genome position (GRCh38, 1-based): chr15:84,839,920, G>T. VCF-style: chr15-84839920-G-T. GRCh37 (hg19) VCF-style: chr15-85383151-G-T.
Other names: short protein forms R214L.
Identifiers: ClinVar variation 4871315 (VCV004871315.2).
Genomic context (GRCh38, chr15:84,839,920, plus strand): 5'-GCGAGATCGAGCAGAGCTGGAAGCACGAGAAGGCGGTGCCTGGGGAGGTCGACACTCTGC[G>T]CAAGCTCAGCCCCGACCGCTTCCAGCGAAAGCGGCGATTGAGCGGGGCTCAAGCGCCGGG-3'
Protein context (NP_065829.4, residues 204-224): KAVPGEVDTL[Arg214Leu]KLSPDRFQRK

ClinVar aggregate classification (germline): Uncertain significance. Review status: criteria provided, multiple submitters, no conflicts (2 of 4 stars). 2 submissions from 2 submitters: Uncertain significance (2). Last evaluated 2026-05-28.

Conditions:
Cardiovascular phenotype. Identifiers: MedGen CN230736.

gnomAD v4.1: 2 of 1,613,806 alleles (0.00012%); highest among the groups gnomAD compares: African/African-American, 0.0027%; no homozygotes.

Submissions (2):

Ambry Genetics
Classification: Uncertain significance for Cardiovascular phenotype. Last evaluated: 2026-05-28. Review status: criteria provided, single submitter. Criteria: Ambry Variant Classification Scheme 2023. Collection method: clinical testing. Allele origin: germline.
Comment: The p.R416L variant (also known as c.1247G>T), located in coding exon 5 of the ALPK3 gene, results from a G to T substitution at nucleotide position 1247. The arginine at codon 416 is replaced by leucine, an amino acid with dissimilar properties. This amino acid position is conserved. In addition, the in silico prediction for this alteration is inconclusive. Based on the available evidence, the clinical significance of this variant remains unclear.

Blueprint Genetics
Classification: Uncertain significance. Last evaluated: 2024-02-29. Review status: criteria provided, single submitter. Criteria: ACMG Guidelines, 2015. Collection method: clinical testing. Allele origin: germline.